The following is an entry in ClinVar:

ClinVar aggregate classification (germline): Uncertain significance (1 of 4 stars; one submission).

Allele frequency attached by ClinVar (database versions not stated): gnomAD exomes below 0.00001; ExAC 0.00001.
gnomAD v4.1: 1 of 1,613,676 alleles (0.000062%); highest among the groups gnomAD compares: African/African-American, 0.0013%; no homozygotes.

Submission:

Labcorp Genetics (formerly Invitae), Labcorp
Classification: Uncertain significance. Last evaluated: 2022-03-19. Review status: criteria provided, single submitter. Criteria: Invitae Variant Classification Sherloc (09022015). Collection method: clinical testing. Allele origin: germline.
Comment: In summary, the available evidence is currently insufficient to determine the role of this variant in disease. Therefore, it has been classified as a Variant of Uncertain Significance. Algorithms developed to predict the effect of missense changes on protein structure and function are either unavailable or do not agree on the potential impact of this missense change (SIFT: "Tolerated"; PolyPhen-2: "Possibly Damaging"; Align-GVGD: "Class C0"). This variant has not been reported in the literature in individuals affected with CCDC88C-related conditions. This variant is present in population databases (rs750794145, gnomAD 0.007%). This sequence change replaces asparagine, which is neutral and polar, with lysine, which is basic and polar, at codon 1403 of the CCDC88C protein (p.Asn1403Lys).

NM_001080414.4(CCDC88C):c.4209C>G (p.Asn1403Lys)

Gene: CCDC88C (coiled-coil and HOOK domain protein 88C; minus strand). Cytogenetic location: 14q32.11.
Variant type: single nucleotide variant.
Coding change: c.4209C>G on transcript NM_001080414.4 (MANE Select); coding-DNA position 4209, C replaced by G.
Protein change: p.Asn1403Lys; replaces asparagine 1403 with lysine.
Molecular consequence: missense variant.
Genome position (GRCh38, 1-based): chr14:91,289,337, G>C on the plus strand (C>G on the coding strand, the complement: CCDC88C is on the minus strand). VCF-style: chr14-91289337-G-C. GRCh37 (hg19) VCF-style: chr14-91755681-G-C.
Other names: short protein forms N1403K.
Identifiers: ClinVar variation 2113215 (VCV002113215.4), dbSNP rs750794145, ClinGen allele CA7309069.